The following is an entry in ClinVar:

NM_001913.5(CUX1):c.1571G>T (p.Arg524Leu)

Gene: CUX1 (cut like homeobox 1; plus strand). Cytogenetic location: 7q22.1.
Variant type: single nucleotide variant.
Coding change: c.1571G>T on transcript NM_001913.5 (MANE Plus Clinical); coding-DNA position 1571, G replaced by T.
Protein change: p.Arg524Leu; replaces arginine 524 with leucine.
Molecular consequence: missense variant.
Genome position (GRCh38, 1-based): chr7:102,277,956, G>T. VCF-style: chr7-102277956-G-T. GRCh37 (hg19) VCF-style: chr7-101921227-G-T.
Other names: c.1523G>T, p.Arg508Leu (NM_001202544.3); c.1433G>T, p.Arg478Leu (NM_001202545.3); c.1454G>T, p.Arg485Leu (NM_001202546.3); c.1565G>T, p.Arg522Leu (NM_181500.4); short protein forms R478L, R485L, R508L, R522L, R524L.
Identifiers: ClinVar variation 4852669 (VCV004852669.2).

ClinVar aggregate classification (germline): Uncertain significance (1 of 4 stars; one submission).

gnomAD v4.1: 1 of 787,386 alleles (0.00013%); highest among the groups gnomAD compares: Non-Finnish European, 0.00017%; no homozygotes.

Submission:

Dasa
Classification: Uncertain significance. Last evaluated: 2024-08-31. Review status: criteria provided, single submitter. Criteria: DASA Assertion Criteria. Collection method: clinical testing. Allele origin: germline.
Comment: NM_001202544.3(CUX1):c.1523G>T (p.Arg508Leu) is a missense variant that results in the substitution of arginine with leucine. This variant is rare in population databases. The currently available literature and clinical evidence are not sufficient to establish a definitive association between this variant and the reported condition. Therefore, this variant is classified as a variant of uncertain significance.